The following is an entry in ClinVar:

ClinVar aggregate classification (germline): Likely benign (1 of 4 stars; one submission).

Submission:

CeGaT Center for Human Genetics Tuebingen
Classification: Likely benign. Last evaluated: 2026-09-01. Review status: criteria provided, single submitter. Criteria: CeGaT Center For Human Genetics Tuebingen Variant Classification Criteria Version 2. Collection method: clinical testing. Allele origin: germline. Affected: yes. Observed: 2 variant alleles.
Comment: POLRMT: BS2

NC_000019.10:g.633551_633568del

Genes: POLRMT (RNA polymerase mitochondrial; minus strand), LOC130062834 (ATAC-STARR-seq lymphoblastoid silent region 9612; plus strand). Cytogenetic location: 19p13.3.
Variant type: Deletion.
Genome position: GRCh38 VCF-style: chr19-633541-GGCCCGCGCCTGCGCATGC-G. GRCh37 (hg19) VCF-style: chr19-633541-GGCCCGCGCCTGCGCATGC-G.
Identifiers: ClinVar variation 4872274 (VCV004872274.2).